The following is an entry in ClinVar:

ClinVar aggregate classification (germline): Uncertain significance. Review status: criteria provided, single submitter (1 of 4 stars). 2 submissions from 1 submitter: Uncertain significance (1). 1 of the submissions does not count toward it. Last evaluated 2020-10-04.

Conditions:
Autoimmune connective tissue disease and vasculitis.

Allele frequency attached by ClinVar (database versions not stated): gnomAD exomes 0.00001 and 0.00005; ExAC 0.00006; gnomAD 0.00009; TOPMed 0.00014; ESP Exome Variant Server 0.00023; 1000 Genomes Project 30x 0.00031; 1000 Genomes Project 0.00040.
gnomAD v4.1: 36 of 1,614,088 alleles (0.0022%); highest among the groups gnomAD compares: Admixed American, 0.025%; no homozygotes.

Submissions (2):

Dubai Health Genomic Medicine Center, Dubai Health
Classification: Uncertain significance for Autoimmune connective tissue disease and vasculitis. Last evaluated: 2020-10-04. Review status: criteria provided, single submitter. Criteria: ACMG Guidelines, 2015. Collection method: clinical testing. Allele origin: germline. Affected: yes.

Dubai Health Genomic Medicine Center, Dubai Health
Classification: Uncertain significance. Last evaluated: 2022-12-17. Review status: flagged submission. Criteria: ACMG Guidelines, 2015. Collection method: clinical testing. Allele origin: germline. Affected: yes. Not counted in ClinVar's aggregate classification.
ClinVar note: Reason: This record appears to be redundant with a more recent record from the same submitter.
ClinVar note: Notes: SCV002775041 appears to be redundant with SCV001448223.

NM_014002.4(IKBKE):c.541-5G>A

Gene: IKBKE (inhibitor of nuclear factor kappa B kinase subunit epsilon; plus strand). Cytogenetic location: 1q32.1.
Variant type: single nucleotide variant.
Coding change: c.541-5G>A on transcript NM_014002.4 (MANE Select); 5 bases into the intron before coding-DNA position 541, G replaced by A.
Molecular consequence: intron variant.
Genome position (GRCh38, 1-based): chr1:206,476,673, G>A. VCF-style: chr1-206476673-G-A. GRCh37 (hg19) VCF-style: chr1-206650016-G-A.
Other names: c.541-5G>A (NM_001193322.2); c.286-5G>A (NM_001193321.2).
Identifiers: ClinVar variation 987751 (VCV000987751.4), dbSNP rs187136164, ClinGen allele CA1361359.